The following is an entry in ClinVar:

NM_000535.7(PMS2):c.2274T>C (p.Asn758=)

Gene: PMS2 (PMS1 homolog 2, mismatch repair system component; minus strand). Cytogenetic location: 7p22.1.
Variant type: single nucleotide variant.
Coding change: c.2274T>C on transcript NM_000535.7 (MANE Select); coding-DNA position 2274, T replaced by C.
Protein change: p.Asn758=; no amino-acid change (asparagine 758 retained).
Molecular consequence: synonymous variant. On other transcripts: non-coding transcript variant (1).
Genome position (GRCh38, 1-based): chr7:5,978,597, A>G on the plus strand (T>C on the coding strand, the complement: PMS2 is on the minus strand). VCF-style: chr7-5978597-A-G. GRCh37 (hg19) VCF-style: chr7-6018228-A-G.
Other names: c.1869T>C, p.Asn623= (NM_001322003.2, NM_001322004.2, NM_001322005.2 and 1 more transcripts); c.2118T>C, p.Asn706= (NM_001322006.2); c.1956T>C, p.Asn652= (NM_001322007.2, NM_001322008.2); c.1713T>C, p.Asn571= (NM_001322010.2); c.1341T>C, p.Asn447= (NM_001322011.2, NM_001322012.2); c.1701T>C, p.Asn567= (NM_001322013.2); c.2274T>C, p.Asn758= (NM_001322014.2); c.1965T>C, p.Asn655= (NM_001322015.2).
Identifiers: ClinVar variation 510820 (VCV000510820.38), dbSNP rs1554294398, ClinGen allele CA453642579.

ClinVar aggregate classification (germline): Likely benign. Review status: criteria provided, multiple submitters, no conflicts (2 of 4 stars). 5 submissions from 5 submitters: Likely benign (5). Last evaluated 2026-01-27.

Conditions:
Hereditary nonpolyposis colorectal neoplasms. Identifiers: MedGen C0009405, MeSH D003123.
Hereditary cancer-predisposing syndrome. Also called: Neoplastic Syndromes, Hereditary; Hereditary Cancer Syndrome; Tumor predisposition; Hereditary neoplastic syndrome. Identifiers: Orphanet 140162, MedGen C0027672, MeSH D009386, MONDO:0015356.

Submissions (5):

Labcorp Genetics (formerly Invitae), Labcorp
Classification: Likely benign for Hereditary nonpolyposis colorectal neoplasms. Last evaluated: 2026-01-27. Review status: criteria provided, single submitter. Criteria: Invitae Variant Classification Sherloc (09022015). Collection method: clinical testing. Allele origin: germline.

Color Diagnostics, LLC DBA Color Health
Classification: Likely benign for Hereditary cancer-predisposing syndrome. Last evaluated: 2025-05-12. Review status: criteria provided, single submitter. Criteria: ACMG Guidelines, 2015. Collection method: clinical testing. Allele origin: germline.

CeGaT Center for Human Genetics Tuebingen
Classification: Likely benign. Last evaluated: 2024-02-01. Review status: criteria provided, single submitter. Criteria: CeGaT Center For Human Genetics Tuebingen Variant Classification Criteria Version 2. Collection method: clinical testing. Allele origin: germline. Affected: yes. Observed: 1 variant allele.
Comment: PMS2: PM2:Supporting, BP4, BP7

Ambry Genetics
Classification: Likely benign for Hereditary cancer-predisposing syndrome. Last evaluated: 2018-12-04. Review status: criteria provided, single submitter. Criteria: Ambry Variant Classification Scheme 2023. Collection method: clinical testing. Allele origin: germline.

GeneDx
Classification: Likely benign. Last evaluated: 2017-07-19. Review status: criteria provided, single submitter. Criteria: GeneDx Variant Classification (06012015). Collection method: clinical testing. Allele origin: germline. Affected: yes.
Comment: This variant is considered likely benign or benign based on one or more of the following criteria: it is a conservative change, it occurs at a poorly conserved position in the protein, it is predicted to be benign by multiple in silico algorithms, and/or has population frequency not consistent with disease.